The following is an entry in ClinVar:

NM_024753.5(TTC21B):c.3780T>C (p.Tyr1260=)

Gene: TTC21B (tetratricopeptide repeat domain 21B; minus strand). Cytogenetic location: 2q24.3.
Variant type: single nucleotide variant.
Coding change: c.3780T>C on transcript NM_024753.5 (MANE Select); coding-DNA position 3780, T replaced by C.
Protein change: p.Tyr1260=; no amino-acid change (tyrosine 1260 retained).
Molecular consequence: synonymous variant.
Genome position (GRCh38, 1-based): chr2:165,880,704, A>G on the plus strand (T>C on the coding strand, the complement: TTC21B is on the minus strand). VCF-style: chr2-165880704-A-G. GRCh37 (hg19) VCF-style: chr2-166737214-A-G.
Other names: c.3780T>C (NM_024753.4).
Identifiers: ClinVar variation 1628693 (VCV001628693.9), dbSNP rs769230631, ClinGen allele CA429892758.

ClinVar aggregate classification (germline): Likely benign. Review status: criteria provided, multiple submitters, no conflicts (2 of 4 stars). 2 submissions from 2 submitters: Likely benign (2). Last evaluated 2025-09-21.

Conditions:
TTC21B-related disorder. Also called: TTC21B-related disorders; TTC21B-related condition.
Jeune thoracic dystrophy. Also called: Short-rib thoracic dysplasia; Jeune syndrome; Infantile thoracic dystrophy; Thoracic pelvic phalangeal dystrophy; Jeune's syndrome; Chondroectodermal dysplasia-like syndrome. Identifiers: Orphanet 474, MedGen C0265275, MONDO:0018770.
Nephronophthisis. Also called: Juvenile Nephronophthisis. Identifiers: Orphanet 655, MedGen C0687120, MONDO:0019005, HP:0000090.

Allele frequency attached by ClinVar (database versions not stated): gnomAD 0.00001; TOPMed 0.00002.
gnomAD v4.1: 26 of 1,613,640 alleles (0.0016%); highest among the groups gnomAD compares: African/African-American, 0.0067%; no homozygotes.

Submissions (2):

Labcorp Genetics (formerly Invitae), Labcorp
Classification: Likely benign for Jeune thoracic dystrophy; Nephronophthisis. Last evaluated: 2025-09-21. Review status: criteria provided, single submitter. Criteria: Invitae Variant Classification Sherloc (09022015). Collection method: clinical testing. Allele origin: germline.

PreventionGenetics, part of Exact Sciences
Classification: Likely benign for TTC21B-related condition. Last evaluated: 2024-11-15. Review status: criteria provided, single submitter. Criteria: ACMG Guidelines, 2015. Collection method: clinical testing. Allele origin: germline.
Comment: This variant is classified as likely benign based on ACMG/AMP sequence variant interpretation guidelines (Richards et al. 2015 PMID: 25741868, with internal and published modifications).